The following is an entry in ClinVar:

ClinVar aggregate classification (germline): Uncertain significance (1 of 4 stars; one submission).

Conditions:
Multiple endocrine neoplasia, type 1 (MEN1). Also called: MEA I; MEN I; WERMER SYNDROME; Endocrine adenomatosis multiple; MEN 1. Identifiers: Orphanet 652, MedGen C0025267, MeSH D018761, MONDO:0007540, OMIM 131100.

gnomAD v4.1: 1 of 1,593,638 alleles (0.000063%); highest among the groups gnomAD compares: East Asian, 0.0023%; no homozygotes.

Submission:

Labcorp Genetics (formerly Invitae), Labcorp
Classification: Uncertain significance for Multiple endocrine neoplasia, type 1. Last evaluated: 2025-07-29. Review status: criteria provided, single submitter. Criteria: Invitae Variant Classification Sherloc (09022015). Collection method: clinical testing. Allele origin: germline.
Comment: This sequence change replaces proline, which is neutral and non-polar, with leucine, which is neutral and non-polar, at codon 71 of the MEN1 protein (p.Pro71Leu). This variant is not present in population databases (gnomAD no frequency). This variant has not been reported in the literature in individuals affected with MEN1-related conditions. Invitae Evidence Modeling of protein sequence and biophysical properties (such as structural, functional, and spatial information, amino acid conservation, physicochemical variation, residue mobility, and thermodynamic stability) has been performed for this missense variant. However, the output from this modeling did not meet the statistical confidence thresholds required to predict the impact of this variant on MEN1 protein function. In summary, the available evidence is currently insufficient to determine the role of this variant in disease. Therefore, it has been classified as a Variant of Uncertain Significance.

NM_001370259.2(MEN1):c.212C>T (p.Pro71Leu)

Gene: MEN1 (menin 1; minus strand). Cytogenetic location: 11q13.1.
Variant type: single nucleotide variant.
Coding change: c.212C>T on transcript NM_001370259.2 (MANE Select); coding-DNA position 212, C replaced by T.
Protein change: p.Pro71Leu; replaces proline 71 with leucine.
Molecular consequence: missense variant. On other transcripts: non-coding transcript variant (4).
Genome position (GRCh38, 1-based): chr11:64,809,898, G>A on the plus strand (C>T on the coding strand, the complement: MEN1 is on the minus strand). VCF-style: chr11-64809898-G-A. GRCh37 (hg19) VCF-style: chr11-64577370-G-A.
Other names: c.212C>T, p.Pro71Leu (NM_000244.4, NM_001370251.2, NM_001370260.2 and 20 more transcripts); short protein forms P71L.
Identifiers: ClinVar variation 4800434 (VCV004800434.1).